The following is an entry in ClinVar:

ClinVar aggregate classification (germline): Uncertain significance. Review status: criteria provided, multiple submitters, no conflicts (2 of 4 stars). 3 submissions from 3 submitters: Uncertain significance (3). Last evaluated 2026-06-23.

Conditions:
FGFR3-related chondrodysplasia. Identifiers: Orphanet 93420, MedGen C5681604, MONDO:0019685.

gnomAD v4.1: 1 of 1,612,994 alleles (0.000062%); highest among the groups gnomAD compares: Non-Finnish European, 0.000085%; no homozygotes.

Submissions (3):

Genomenon, Inc
Classification: Uncertain significance for FGFR3-related chondrodysplasia. Last evaluated: 2026-06-23. Review status: criteria provided, single submitter. Criteria: Genomenon Sequence Variant Interpretation Standards - Updated. Collection method: curation. Allele origin: germline. Affected: no.
Comment: FGFR3 p.Leu377Pro (c.1130T>C) is a missense variant that changes the amino acid at codon 377 from Leucine to Proline. This variant has been reported in the published literature (PMID:29593476;31476288). This variant is located in a mutational hotspot and/or important functional domain. It is absent or not present at a significant frequency in gnomAD. In silico models predict that this variant is possibly or probably damaging. In conclusion, we classify FGFR3 p.Leu377Pro (c.1130T>C) as a variant of uncertain significance.

Labcorp Genetics (formerly Invitae), Labcorp
Classification: Uncertain significance. Last evaluated: 2024-11-02. Review status: criteria provided, single submitter. Criteria: Invitae Variant Classification Sherloc (09022015). Collection method: clinical testing. Allele origin: germline.
Comment: This sequence change replaces leucine, which is neutral and non-polar, with proline, which is neutral and non-polar, at codon 377 of the FGFR3 protein (p.Leu377Pro). This variant is not present in population databases (gnomAD no frequency). This variant has not been reported in the literature in individuals affected with FGFR3-related conditions. ClinVar contains an entry for this variant (Variation ID: 1804583). Invitae Evidence Modeling of protein sequence and biophysical properties (such as structural, functional, and spatial information, amino acid conservation, physicochemical variation, residue mobility, and thermodynamic stability) has been performed for this missense variant. However, the output from this modeling did not meet the statistical confidence thresholds required to predict the impact of this variant on FGFR3 protein function. In summary, the available evidence is currently insufficient to determine the role of this variant in disease. Therefore, it has been classified as a Variant of Uncertain Significance.

GeneDx
Classification: Uncertain significance. Last evaluated: 2022-12-13. Review status: criteria provided, single submitter. Criteria: GeneDx Variant Classification Process June 2021. Collection method: clinical testing. Allele origin: germline. Affected: yes.
Comment: Reported in one individual in published literature with thanatophoric dysplasia type I who also harbored a second variant in FGFR3, although parental studies were not performed to determine the phase of these two variants (Gomes et al., 2018); Not observed at significant frequency in large population cohorts (gnomAD); In silico analysis supports that this missense variant has a deleterious effect on protein structure/function; This variant is associated with the following publications: (PMID: 29593476)

Literature cited by the submitters: PubMed 29593476 (cited by Genomenon, Inc); PubMed 31476288 (cited by Genomenon, Inc).

NM_000142.5(FGFR3):c.1130T>C (p.Leu377Pro)

Gene: FGFR3 (fibroblast growth factor receptor 3; plus strand). Cytogenetic location: 4p16.3.
Variant type: single nucleotide variant.
Coding change: c.1130T>C on transcript NM_000142.5 (MANE Select); coding-DNA position 1130, T replaced by C.
Protein change: p.Leu377Pro; replaces leucine 377 with proline.
Molecular consequence: missense variant. On other transcripts: non-coding transcript variant (1), intron variant (1).
Genome position (GRCh38, 1-based): chr4:1,804,384, T>C. VCF-style: chr4-1804384-T-C. GRCh37 (hg19) VCF-style: chr4-1806111-T-C.
Other names: c.1136T>C, p.Leu379Pro (NM_001163213.2); c.1130T>C, p.Leu377Pro (NM_001354809.2, NM_001354810.2); c.931-440T>C (NM_022965.4); short protein forms L377P, L379P.
Identifiers: ClinVar variation 1804583 (VCV001804583.4), dbSNP rs267606809, ClinGen allele CA355978988.